The following is an entry in ClinVar:

NM_002691.4(POLD1):c.2359C>T (p.Pro787Ser)

Gene: POLD1 (DNA polymerase delta 1, catalytic subunit; plus strand). Cytogenetic location: 19q13.33.
Variant type: single nucleotide variant.
Coding change: c.2359C>T on transcript NM_002691.4 (MANE Select); coding-DNA position 2359, C replaced by T.
Protein change: p.Pro787Ser; replaces proline 787 with serine.
Molecular consequence: missense variant. On other transcripts: non-coding transcript variant (1).
Genome position (GRCh38, 1-based): chr19:50,413,850, C>T. VCF-style: chr19-50413850-C-T. GRCh37 (hg19) VCF-style: chr19-50917107-C-T.
Other names: c.2359C>T, p.Pro787Ser (NM_001256849.1); c.2437C>T, p.Pro813Ser (NM_001308632.1); short protein forms P787S, P813S.
Identifiers: ClinVar variation 2413982 (VCV002413982.6), dbSNP rs2122450868, ClinGen allele CA406984322.
Genomic context (GRCh38, chr19:50,413,850, plus strand): 5'-TCGGTGGCTGAGGCGATGGCCCTGGGGCGGGAGGCCGCGGACTGGGTGTCAGGTCACTTC[C>T]CGTCGCCCATCCGGCTGGAGTTTGAGAAGGTGCGTGGCTGGGTCAGGGGCTCTGCATTTA-3'
Protein context (NP_002682.2, residues 777-797): EAADWVSGHF[Pro787Ser]SPIRLEFEKV

ClinVar aggregate classification (germline): Uncertain significance (1 of 4 stars; one submission).

Conditions:
POLD1-related polyposis and colorectal cancer syndrome (CRCS10). Also called: COLORECTAL CANCER, SUSCEPTIBILITY TO, ON CHROMOSOME 19q; Colorectal cancer 10; Colorectal cancer, susceptibility to, 10. Identifiers: Orphanet 220460, MedGen C2675481, MONDO:0012953, OMIM 612591.

Submission:

Labcorp Genetics (formerly Invitae), Labcorp
Classification: Uncertain significance for POLD1-related polyposis and colorectal cancer syndrome. Last evaluated: 2022-06-20. Review status: criteria provided, single submitter. Criteria: Invitae Variant Classification Sherloc (09022015). Collection method: clinical testing. Allele origin: germline.
Comment: Algorithms developed to predict the effect of missense changes on protein structure and function (SIFT, PolyPhen-2, Align-GVGD) all suggest that this variant is likely to be tolerated. In summary, the available evidence is currently insufficient to determine the role of this variant in disease. Therefore, it has been classified as a Variant of Uncertain Significance. This variant has not been reported in the literature in individuals affected with POLD1-related conditions. This variant is not present in population databases (gnomAD no frequency). This sequence change replaces proline, which is neutral and non-polar, with serine, which is neutral and polar, at codon 787 of the POLD1 protein (p.Pro787Ser).